The following is an entry in ClinVar:

NM_001384140.1(PCDH15):c.4990dup (p.Met1664fs)

Gene: PCDH15 (protocadherin related 15; minus strand). Cytogenetic location: 10q21.1.
Variant type: Duplication.
Coding change: c.4990dup on transcript NM_001384140.1 (MANE Select); coding-DNA position 4990, one base duplicated (A; older notation c.4990dupA).
Protein change: p.Met1664fs; shifts the reading frame from methionine 1664.
Molecular consequence: frameshift variant.
Genome position (GRCh38, 1-based): chr10:53,806,812, T duplicated on the plus strand (A on the coding strand, the reverse complement: PCDH15 is on the minus strand); the first of 6 consecutive T bases (chr10:53,806,812-53,806,817); duplicating any one gives the same sequence. VCF-style (leftmost placement, unchanged base first): chr10-53806811-A-AT. GRCh37 (hg19) VCF-style: chr10-55566571-A-AT.
Other names: NM_001384140.1(PCDH15):c.4990dup; p.Met1664fs; c.4816dup, p.Met1606fs (NM_001142771.2); c.4801dup, p.Met1601fs (NM_001142772.2); c.4795dup, p.Met1599fs (NM_001354420.2); c.4924dup, p.Met1642fs (NM_001354429.2); c.4924dupA (NM_001354429.1); c.4816dupA (NM_001142771.1); short protein forms M1606fs, M1642fs, M1599fs, M1601fs, M1664fs.
Identifiers: ClinVar variation 587635 (VCV000587635.13), dbSNP rs766484375, ClinGen allele CA5504552.

ClinVar aggregate classification (germline): Conflicting classifications of pathogenicity. Review status: criteria provided, conflicting classifications (1 of 4 stars). 7 submissions from 6 submitters: Likely pathogenic (4); Uncertain significance (3). Last evaluated 2026-03-01.

Conditions:
PCDH15-related disorder. Also called: PCDH15-related disorders; PCDH15-related condition.
Autosomal recessive nonsyndromic hearing loss 23. Identifiers: Orphanet 90636, MedGen C1836027, MONDO:0012293, OMIM 609533.
Usher syndrome type 1F (USH1F). Also called: USHER SYNDROME, TYPE IF. Identifiers: Orphanet 231169, Orphanet 886, MedGen C1865885, MONDO:0011186, OMIM 602083.

Submissions (7):

CeGaT Center for Human Genetics Tuebingen
Classification: Uncertain significance. Last evaluated: 2026-03-01. Review status: criteria provided, single submitter. Criteria: CeGaT Center For Human Genetics Tuebingen Variant Classification Criteria Version 2. Collection method: clinical testing. Allele origin: germline. Affected: yes. Observed: 1 variant allele.
Comment: PCDH15: PM2, PVS1:Moderate

PreventionGenetics, part of Exact Sciences
Classification: Uncertain significance for PCDH15-related condition. Last evaluated: 2026-01-21. Review status: criteria provided, single submitter. Criteria: ACMG Guidelines, 2015. Collection method: clinical testing. Allele origin: germline.
Comment: The PCDH15 c.4924dupA variant is predicted to result in a frameshift and premature protein termination (p.Met1642Asnfs*18). This variant is located in the terminal exon in transcript NM_001354429. This variant can also be denoted as c.*1880dupA (Post-Coding) in the biologically relevant transcript for hearing loss NM_001142769. To our knowledge, this variant has not been reported in the literature. This variant is present in 0.0057% of alleles in individuals of Latino descent in gnomAD. At this time, the clinical significance of this variant is uncertain due to the absence of conclusive functional and genetic evidence.

Broad Center for Mendelian Genomics, Broad Institute of MIT and Harvard
Classification: Uncertain significance for Usher syndrome type 1F. Last evaluated: 2023-01-24. Review status: criteria provided, single submitter. Criteria: ACMG Guidelines, 2015. Collection method: curation. Allele origin: germline. Inheritance: Autosomal recessive inheritance.
Comment: The p.Met1664fs variant in PCDH15 has not been previously reported in the literature in individuals with Usher syndrome type 1F but has been identified in 0.0009% (2/35372) of Latino/Admixed American chromosomes by the Genome Aggregation Database (gnomAD; dbSNP ID: rs766484375). Although this variant has been seen in the general population in a heterozygous state, its frequency is low enough to be consistent with a recessive carrier frequency. This variant has also been reported in ClinVar (Variation ID#: 587635) and has been interpreted as likely pathogenic by Genomic Research Center (Shahid Beheshti University of Medical Sciences). This variant is predicted to cause a frameshift, which alters the protein‚Äôs amino acid sequence beginning at position 1664 and leads to a premature termination codon 18 amino acids downstream. This termination codon occurs within the last exon and is more likely to escape nonsense mediated decay (NMD) and result in a truncated protein. In summary, the clinical significance of the p.Met1664fs variant is uncertain. ACMG/AMP Criteria applied: PM2_supporting, PVS1_moderate (Richards 2015).

MGZ Medical Genetics Center
Classification: Likely pathogenic for Usher syndrome type 1F. Last evaluated: 2021-12-13. Review status: criteria provided, single submitter. Criteria: ACMG Guidelines, 2015. Collection method: clinical testing. Allele origin: germline. Affected: yes. Observed: 1 variant allele.
Comment: ACMG criteria applied: PVS1, PM2_SUP

Genomic Research Center, Shahid Beheshti University of Medical Sciences
Classification: Likely pathogenic for Usher syndrome, type 1F. Last evaluated: 2018-08-07. Review status: criteria provided, single submitter. Criteria: ACMG Guidelines, 2015. Collection method: clinical testing. Allele origin: inherited. Affected: no. Observed: 1 variant allele.

Genomic Research Center, Shahid Beheshti University of Medical Sciences
Classification: Likely pathogenic for Deafness, autosomal recessive 23. Last evaluated: 2018-08-07. Review status: criteria provided, single submitter. Criteria: ACMG Guidelines, 2015. Collection method: clinical testing. Allele origin: inherited. Affected: no. Observed: 1 variant allele.

Kariminejad - Najmabadi Pathology & Genetics Center
Classification: Likely pathogenic for Usher syndrome type 1F. Review status: criteria provided, single submitter. Criteria: ACMG Guidelines, 2015. Collection method: clinical testing. Allele origin: germline. Affected: no.